The following is an entry in ClinVar:

ClinVar aggregate classification (germline): Likely benign. Review status: criteria provided, multiple submitters, no conflicts (2 of 4 stars). 2 submissions from 2 submitters: Likely benign (2). Last evaluated 2025-07-25.

Submissions (2):

Mayo Clinic Laboratories, Mayo Clinic
Classification: Likely benign. Last evaluated: 2025-07-25. Review status: criteria provided, single submitter. Criteria: ACMG Guidelines, 2015. Collection method: clinical testing. Allele origin: germline. Observed: 11 variant alleles.
Comment: BP4, BP7

Blueprint Genetics
Classification: Likely benign. Last evaluated: 2024-11-26. Review status: criteria provided, single submitter. Criteria: ACMG Guidelines, 2015. Collection method: clinical testing. Allele origin: germline.

NM_007214.5(SEC63):c.1936-12_1936-9dup

Gene: SEC63 (SEC63 protein translocation regulator; minus strand). Cytogenetic location: 6q21.
Variant type: Duplication.
Coding change: c.1936-12_1936-9dup on transcript NM_007214.5 (MANE Select); 12 bases into the intron before coding-DNA position 1936 through 9 bases into the intron before coding-DNA position 1936, 4 bases duplicated (TTTT; older notation c.1936-12_1936-9dupTTTT).
Molecular consequence: intron variant.
Genome position (GRCh38, 1-based): chr6:107,876,671-107,876,674, AAAA duplicated on the plus strand (TTTT on the coding strand, the reverse complement: SEC63 is on the minus strand); duplicating any 4 consecutive bases within chr6:107,876,671-107,876,689 gives the same sequence; the c. name uses the placement nearest the transcript's 3' end. VCF-style (leftmost placement, unchanged base first): chr6-107876670-C-CAAAA. GRCh37 (hg19) VCF-style: chr6-108197874-C-CAAAA.
Other names: p.?.
Identifiers: ClinVar variation 4683217 (VCV004683217.2).
Genomic context (GRCh38, chr6:107,876,670, plus strand): 5'-AATGTCTGCTCCTTCCTATCTGCAATGTAAAGCCACCACCATTCTTGTTTTTCCTGGAAA[C>CAAAA]AAAAAAAAAAAAAAAAAAAGAAGAGGGGTATAAATAATCAGAAAGAACTAGAAAGAATAT-3'